The following is an entry in ClinVar:

NM_003664.5(AP3B1):c.764A>T (p.Gln255Leu)

Gene: AP3B1 (adaptor related protein complex 3 subunit beta 1; minus strand). Cytogenetic location: 5q14.1.
Variant type: single nucleotide variant.
Coding change: c.764A>T on transcript NM_003664.5 (MANE Select); coding-DNA position 764, A replaced by T.
Protein change: p.Gln255Leu; replaces glutamine 255 with leucine.
Molecular consequence: missense variant.
Genome position (GRCh38, 1-based): chr5:78,216,077, T>A on the plus strand (A>T on the coding strand, the complement: AP3B1 is on the minus strand). VCF-style: chr5-78216077-T-A. GRCh37 (hg19) VCF-style: chr5-77511901-T-A.
Other names: c.617A>T, p.Gln206Leu (NM_001271769.2); short protein forms Q206L, Q255L.
Identifiers: ClinVar variation 835622 (VCV000835622.9), dbSNP rs1260956613, ClinGen allele CA360190753.

ClinVar aggregate classification (germline): Uncertain significance (1 of 4 stars; one submission).

Conditions:
Hermansky-Pudlak syndrome 2 (HPS2). Also called: Platelet defects and oculocutaneous albinism. Identifiers: Orphanet 183678, Orphanet 79430, MedGen C1842362, MONDO:0011997, OMIM 608233.

Allele frequency attached by ClinVar (database versions not stated): gnomAD exomes below 0.00001.
gnomAD v4.1: 3 of 1,614,020 alleles (0.00019%); highest among the groups gnomAD compares: Non-Finnish European, 0.00025%; no homozygotes.

Submission:

Labcorp Genetics (formerly Invitae), Labcorp
Classification: Uncertain significance for Hermansky-Pudlak syndrome 2. Last evaluated: 2019-12-04. Review status: criteria provided, single submitter. Criteria: Invitae Variant Classification Sherloc (09022015). Collection method: clinical testing. Allele origin: germline.
Comment: This sequence change replaces glutamine with leucine at codon 255 of the AP3B1 protein (p.Gln255Leu). The glutamine residue is moderately conserved and there is a moderate physicochemical difference between glutamine and leucine. This variant is not present in population databases (ExAC no frequency). This variant has not been reported in the literature in individuals with AP3B1-related conditions. Algorithms developed to predict the effect of missense changes on protein structure and function are either unavailable or do not agree on the potential impact of this missense change (SIFT: "Tolerated"; PolyPhen-2: "Possibly Damaging"; Align-GVGD: "Class C0"). In summary, the available evidence is currently insufficient to determine the role of this variant in disease. Therefore, it has been classified as a Variant of Uncertain Significance.